The following is an entry in ClinVar:

NM_006245.4(PPP2R5D):c.491C>G (p.Thr164Ser)

Gene: PPP2R5D (protein phosphatase 2 regulatory subunit B'delta; plus strand). Cytogenetic location: 6p21.1.
Variant type: single nucleotide variant.
Coding change: c.491C>G on transcript NM_006245.4 (MANE Select); coding-DNA position 491, C replaced by G.
Protein change: p.Thr164Ser; replaces threonine 164 with serine.
Molecular consequence: missense variant.
Genome position (GRCh38, 1-based): chr6:43,007,079, C>G. VCF-style: chr6-43007079-C-G. GRCh37 (hg19) VCF-style: chr6-42974817-C-G.
Other names: c.38C>G, p.Thr13Ser (NM_001270476.2); c.395C>G, p.Thr132Ser (NM_180976.3); c.173C>G, p.Thr58Ser (NM_180977.3); short protein forms T132S, T13S, T164S, T58S.
Identifiers: ClinVar variation 2579613 (VCV002579613.1), dbSNP rs2532474272, ClinGen allele CA364183700.

ClinVar aggregate classification (germline): Uncertain significance (1 of 4 stars; one submission).

Submission:

GeneDx
Classification: Uncertain significance. Last evaluated: 2023-03-09. Review status: criteria provided, single submitter. Criteria: GeneDx Variant Classification Process June 2021. Collection method: clinical testing. Allele origin: germline. Affected: yes.
Comment: Not observed at significant frequency in large population cohorts (gnomAD); In silico analysis supports that this missense variant has a deleterious effect on protein structure/function; In silico analysis suggests this variant may impact gene splicing. In the absence of RNA/functional studies, the actual effect of this sequence change is unknown.; Has not been previously published as pathogenic or benign to our knowledge